The following is an entry in ClinVar:

ClinVar aggregate classification (germline): Uncertain significance (1 of 4 stars; one submission).

Conditions:
Werner syndrome (WRN). Identifiers: Orphanet 902, MedGen C0043119, MONDO:0010196, OMIM 277700.

Submission:

Labcorp Genetics (formerly Invitae), Labcorp
Classification: Uncertain significance for Werner syndrome. Last evaluated: 2022-02-25. Review status: criteria provided, single submitter. Criteria: Invitae Variant Classification Sherloc (09022015). Collection method: clinical testing. Allele origin: germline.
Comment: This sequence change replaces glutamic acid, which is acidic and polar, with glutamine, which is neutral and polar, at codon 1057 of the WRN protein (p.Glu1057Gln). This variant is not present in population databases (gnomAD no frequency). This variant has not been reported in the literature in individuals affected with WRN-related conditions. Algorithms developed to predict the effect of missense changes on protein structure and function output the following: SIFT: "Not Available"; PolyPhen-2: "Benign"; Align-GVGD: "Not Available". The glutamine amino acid residue is found in multiple mammalian species, which suggests that this missense change does not adversely affect protein function. In summary, the available evidence is currently insufficient to determine the role of this variant in disease. Therefore, it has been classified as a Variant of Uncertain Significance.

NM_000553.6(WRN):c.3169G>C (p.Glu1057Gln)

Gene: WRN (WRN RecQ like helicase; plus strand). Cytogenetic location: 8p12.
Variant type: single nucleotide variant.
Coding change: c.3169G>C on transcript NM_000553.6 (MANE Select); coding-DNA position 3169, G replaced by C.
Protein change: p.Glu1057Gln; replaces glutamic acid 1057 with glutamine.
Molecular consequence: missense variant.
Genome position (GRCh38, 1-based): chr8:31,141,711, G>C. VCF-style: chr8-31141711-G-C. GRCh37 (hg19) VCF-style: chr8-30999227-G-C.
Other names: short protein forms E1057Q.
Identifiers: ClinVar variation 2145828 (VCV002145828.4), dbSNP rs2536031094, ClinGen allele CA370923010.